The following is an entry in ClinVar:

NM_001854.4(COL11A1):c.3995G>T (p.Gly1332Val)

Gene: COL11A1 (collagen type XI alpha 1 chain; minus strand). Cytogenetic location: 1p21.1.
Variant type: single nucleotide variant.
Coding change: c.3995G>T on transcript NM_001854.4 (MANE Select); coding-DNA position 3995, G replaced by T.
Protein change: p.Gly1332Val; replaces glycine 1332 with valine.
Molecular consequence: missense variant. On other transcripts: non-coding transcript variant (1).
Genome position (GRCh38, 1-based): chr1:102,913,674, C>A on the plus strand (G>T on the coding strand, the complement: COL11A1 is on the minus strand). VCF-style: chr1-102913674-C-A. GRCh37 (hg19) VCF-style: chr1-103379230-C-A.
Other names: c.3647G>T, p.Gly1216Val (NM_001168249.1, NM_080630.4); c.3878G>T, p.Gly1293Val (NM_001190709.2); c.4031G>T, p.Gly1344Val (NM_080629.3); short protein forms G1332V, G1293V, G1216V, G1344V.
Identifiers: ClinVar variation 2750275 (VCV002750275.3), dbSNP rs2524469952, ClinGen allele CA341160344.

ClinVar aggregate classification (germline): Uncertain significance (1 of 4 stars; one submission).

Submission:

Labcorp Genetics (formerly Invitae), Labcorp
Classification: Uncertain significance. Last evaluated: 2023-08-04. Review status: criteria provided, single submitter. Criteria: Invitae Variant Classification Sherloc (09022015). Collection method: clinical testing. Allele origin: germline.
Comment: This variant has not been reported in the literature in individuals affected with COL11A1-related conditions. This variant is not present in population databases (gnomAD no frequency). This sequence change replaces glycine, which is neutral and non-polar, with valine, which is neutral and non-polar, at codon 1332 of the COL11A1 protein (p.Gly1332Val). Advanced modeling of protein sequence and biophysical properties (such as structural, functional, and spatial information, amino acid conservation, physicochemical variation, residue mobility, and thermodynamic stability) performed at Invitae indicates that this missense variant is not expected to disrupt COL11A1 protein function. In summary, the available evidence is currently insufficient to determine the role of this variant in disease. Therefore, it has been classified as a Variant of Uncertain Significance.